The following is an entry in ClinVar:

ClinVar aggregate classification (germline): Benign (1 of 4 stars; one submission).

Conditions:
Breast-ovarian cancer, familial, susceptibility to, 3. Also called: RAD51C-Related Breast/Ovarian Cancer. Identifiers: Orphanet 145, MedGen C3150659, MONDO:0013253, OMIM 613399.

Submission:

Myriad Genetics, Inc.
Classification: Benign for Breast-ovarian cancer, familial, susceptibility to, 3. Last evaluated: 2025-02-19. Review status: criteria provided, single submitter. Criteria: Myriad Autosomal Dominant, Autosomal Recessive and X-Linked Classification Criteria (2023). Collection method: clinical testing. Allele origin: unknown.
Comment: This variant is considered benign. This variant is a silent/synonymous amino acid change and it is not expected to impact splicing.

NM_058216.3(RAD51C):c.975A>T (p.Thr325=)

Gene: RAD51C (RAD51 paralog C; plus strand). Cytogenetic location: 17q22.
Variant type: single nucleotide variant.
Coding change: c.975A>T on transcript NM_058216.3 (MANE Select); coding-DNA position 975, A replaced by T.
Protein change: p.Thr325=; no amino-acid change (threonine 325 retained).
Molecular consequence: synonymous variant. On other transcripts: non-coding transcript variant (1).
Genome position (GRCh38, 1-based): chr17:58,732,493, A>T. VCF-style: chr17-58732493-A-T. GRCh37 (hg19) VCF-style: chr17-56809854-A-T.
Identifiers: ClinVar variation 3904241 (VCV003904241.1).